The following is an entry in ClinVar:

NM_000493.4(COL10A1):c.1582del (p.Ala528fs)

Genes: COL10A1 (collagen type X alpha 1 chain; minus strand), NT5DC1 (5'-nucleotidase domain containing 1; plus strand). Cytogenetic location: 6q22.1.
Variant type: Deletion.
Coding change: c.1582del on transcript NM_000493.4 (MANE Select); coding-DNA position 1582, one base deleted (G; older notation c.1582delG).
Protein change: p.Ala528fs; shifts the reading frame from alanine 528.
Molecular consequence: frameshift variant. On other transcripts: intron variant (1).
Genome position (GRCh38, 1-based): chr6:116,120,534, C deleted on the plus strand (G on the coding strand, the reverse complement: COL10A1 is on the minus strand); the first of 2 consecutive C bases (chr6:116,120,534-116,120,535); deleting either gives the same sequence. VCF-style (leftmost placement, unchanged base first): chr6-116120533-GC-G. GRCh37 (hg19) VCF-style: chr6-116441696-GC-G.
Other names: c.1582del, p.Ala528fs (NM_001424106.1, NM_001424107.1); c.529+2590del (NM_152729.3); short protein forms A528fs.
Identifiers: ClinVar variation 4723226 (VCV004723226.1).

ClinVar aggregate classification (germline): Uncertain significance (1 of 4 stars; one submission).

Submission:

Labcorp Genetics (formerly Invitae), Labcorp
Classification: Uncertain significance. Last evaluated: 2025-07-14. Review status: criteria provided, single submitter. Criteria: Invitae Variant Classification Sherloc (09022015). Collection method: clinical testing. Allele origin: germline.
Comment: This sequence change creates a premature translational stop signal (p.Ala528Glnfs*19) in the COL10A1 gene. While this is not anticipated to result in nonsense mediated decay, it is expected to disrupt the last 153 amino acid(s) of the COL10A1 protein. This variant is not present in population databases (gnomAD no frequency). This variant has not been reported in the literature in individuals affected with COL10A1-related conditions. In summary, the available evidence is currently insufficient to determine the role of this variant in disease. Therefore, it has been classified as a Variant of Uncertain Significance.